The following is an entry in ClinVar:

NM_004444.5(EPHB4):c.27G>A (p.Trp9Ter)

Genes: EPHB4 (EPH receptor B4; minus strand), SLC12A9 (solute carrier family 12 member 9; plus strand). Cytogenetic location: 7q22.1.
Variant type: single nucleotide variant.
Coding change: c.27G>A on transcript NM_004444.5 (MANE Select); coding-DNA position 27, G replaced by A.
Protein change: p.Trp9Ter; replaces tryptophan 9 with a stop codon.
Molecular consequence: nonsense. On other transcripts: 5 prime UTR variant (1).
Genome position (GRCh38, 1-based): chr7:100,827,004, C>T on the plus strand (G>A on the coding strand, the complement: EPHB4 is on the minus strand). VCF-style: chr7-100827004-C-T. GRCh37 (hg19) VCF-style: chr7-100424626-C-T.
Other names: c.-25C>T (NM_001363494.1); short protein forms W9*.
Identifiers: ClinVar variation 4716774 (VCV004716774.1).
Genomic context (GRCh38, chr7:100,827,004, plus strand): 5'-TGACGGGGTGCGCCCCCCCCCGCAAGGAAACTCACCTTCCAAAGCTGCGGCCAACGAAGC[C>T]CAGCAGAGCAGCACCCGGAGCTCCATGGCGCCGCCTCACTCGGGTAGGATCCGAACTGAG-3'

ClinVar aggregate classification (germline): Pathogenic (1 of 4 stars; one submission).

Submission:

Labcorp Genetics (formerly Invitae), Labcorp
Classification: Pathogenic. Last evaluated: 2025-05-13. Review status: criteria provided, single submitter. Criteria: Invitae Variant Classification Sherloc (09022015). Collection method: clinical testing. Allele origin: germline.
Comment: This sequence change creates a premature translational stop signal (p.Trp9*) in the EPHB4 gene. It is expected to result in an absent or disrupted protein product. Loss-of-function variants in EPHB4 are known to be pathogenic (PMID: 28687708). This variant is not present in population databases (gnomAD no frequency). This variant has not been reported in the literature in individuals affected with EPHB4-related conditions. For these reasons, this variant has been classified as Pathogenic.

Literature cited by the submitters: PubMed 28687708.